The following is an entry in ClinVar:

NM_017514.5(PLXNA3):c.4647C>T (p.Thr1549=)

Gene: PLXNA3 (plexin A3; plus strand). Cytogenetic location: Xq28.
Variant type: single nucleotide variant.
Coding change: c.4647C>T on transcript NM_017514.5 (MANE Select); coding-DNA position 4647, C replaced by T.
Protein change: p.Thr1549=; no amino-acid change (threonine 1549 retained).
Molecular consequence: synonymous variant.
Genome position (GRCh38, 1-based): chrX:154,469,431, C>T. VCF-style: chrX-154469431-C-T. GRCh37 (hg19) VCF-style: chrX-153697774-C-T.
Identifiers: ClinVar variation 3356768 (VCV003356768.1).

ClinVar aggregate classification (germline): Likely benign (0 of 4 stars; one submission).

Conditions:
PLXNA3-related disorder. Also called: PLXNA3-related condition.

Submission:

PreventionGenetics, part of Exact Sciences
Classification: Likely benign for PLXNA3-related condition. Last evaluated: 2023-06-01. Review status: no assertion criteria provided. Collection method: clinical testing. Allele origin: germline.
Comment: This variant is classified as likely benign based on ACMG/AMP sequence variant interpretation guidelines (Richards et al. 2015 PMID: 25741868, with internal and published modifications).